The following is an entry in ClinVar:

NM_001174150.2(ARL13B):c.830A>G (p.Asn277Ser)

Gene: ARL13B (ARF like GTPase 13B; plus strand). Cytogenetic location: 3q11.2.
Variant type: single nucleotide variant.
Coding change: c.830A>G on transcript NM_001174150.2 (MANE Select); coding-DNA position 830, A replaced by G.
Protein change: p.Asn277Ser; replaces asparagine 277 with serine.
Molecular consequence: missense variant. On other transcripts: non-coding transcript variant (2).
Genome position (GRCh38, 1-based): chr3:94,043,046, A>G. VCF-style: chr3-94043046-A-G. GRCh37 (hg19) VCF-style: chr3-93761890-A-G.
Other names: c.521A>G, p.Asn174Ser (NM_001174151.2); c.785A>G, p.Asn262Ser (NM_001321328.2); c.509A>G, p.Asn170Ser (NM_144996.4); c.830A>G, p.Asn277Ser (NM_182896.3); short protein forms N170S, N174S, N262S, N277S.
Identifiers: ClinVar variation 1020644 (VCV001020644.4), dbSNP rs142635985, ClinGen allele CA78536928.

ClinVar aggregate classification (germline): Uncertain significance (1 of 4 stars; one submission).

Conditions:
Joubert syndrome 8 (JBTS8). Identifiers: Orphanet 475, MedGen C2676771, MONDO:0012855, OMIM 612291.

gnomAD v4.1: 3 of 1,610,956 alleles (0.00019%); highest among the groups gnomAD compares: African/African-American, 0.0013%; no homozygotes.

Submission:

Labcorp Genetics (formerly Invitae), Labcorp
Classification: Uncertain significance for Joubert syndrome 8. Last evaluated: 2020-03-25. Review status: criteria provided, single submitter. Criteria: Invitae Variant Classification Sherloc (09022015). Collection method: clinical testing. Allele origin: germline.
Comment: In summary, the available evidence is currently insufficient to determine the role of this variant in disease. Therefore, it has been classified as a Variant of Uncertain Significance. Algorithms developed to predict the effect of missense changes on protein structure and function (SIFT, PolyPhen-2, Align-GVGD) all suggest that this variant is likely to be tolerated, but these predictions have not been confirmed by published functional studies and their clinical significance is uncertain. This variant has not been reported in the literature in individuals with ARL13B-related conditions. This variant is not present in population databases (ExAC no frequency). This sequence change replaces asparagine with serine at codon 277 of the ARL13B protein (p.Asn277Ser). The asparagine residue is weakly conserved and there is a small physicochemical difference between asparagine and serine.